The following is an entry in ClinVar:

ClinVar aggregate classification (germline): Uncertain significance (1 of 4 stars; one submission).

Conditions:
Hereditary sensory and autonomic neuropathy type 6. Also called: HSAN VI; Neuropathy, hereditary sensory and autonomic, type VI. Identifiers: Orphanet 314381, MedGen C3539003, MONDO:0013839, OMIM 614653.
Epidermolysis bullosa simplex 3, localized or generalized intermediate, with BP230 deficiency (EBS3). Also called: Epidermolysis bullosa simplex due to BP230 deficiency; Epidermolysis bullosa simplex, autosomal recessive 2. Identifiers: Orphanet 412181, MedGen C3809470, MONDO:0014180, OMIM 615425.

Allele frequency attached by ClinVar (database versions not stated): gnomAD exomes below 0.00001.
gnomAD v4.1: 1 of 1,579,152 alleles (0.000063%); highest among the groups gnomAD compares: Non-Finnish European, 0.000086%; no homozygotes.

Submission:

Labcorp Genetics (formerly Invitae), Labcorp
Classification: Uncertain significance for Epidermolysis bullosa simplex 3, localized or generalized intermediate, with BP230 deficiency; Hereditary sensory and autonomic neuropathy type 6. Last evaluated: 2022-08-03. Review status: criteria provided, single submitter. Criteria: Invitae Variant Classification Sherloc (09022015). Collection method: clinical testing. Allele origin: germline.
Comment: In summary, the available evidence is currently insufficient to determine the role of this variant in disease. Therefore, it has been classified as a Variant of Uncertain Significance. Experimental studies and prediction algorithms are not available or were not evaluated, and the functional significance of this variant is currently unknown. This variant has not been reported in the literature in individuals affected with DST-related conditions. This variant is not present in population databases (gnomAD no frequency). This sequence change replaces lysine, which is basic and polar, with arginine, which is basic and polar, at codon 4674 of the DST protein (p.Lys4674Arg). The DST gene has multiple clinically relevant transcripts. This variant occurs in alternate transcript NM_015548.4, and corresponds to NM_001723.5:c.*141540A>G in the primary transcript.

NM_001374736.1(DST):c.21890A>G (p.Lys7297Arg)

Gene: DST (dystonin; minus strand). Cytogenetic location: 6p12.1.
Variant type: single nucleotide variant.
Coding change: c.21890A>G on transcript NM_001374736.1 (MANE Select); coding-DNA position 21890, A replaced by G.
Protein change: p.Lys7297Arg; replaces lysine 7297 with arginine.
Molecular consequence: missense variant.
Genome position (GRCh38, 1-based): chr6:56,473,977, T>C on the plus strand (A>G on the coding strand, the complement: DST is on the minus strand). VCF-style: chr6-56473977-T-C. GRCh37 (hg19) VCF-style: chr6-56338775-T-C.
Other names: c.15533A>G, p.Lys5178Arg (NM_001144769.5); c.15119A>G, p.Lys5040Arg (NM_001144770.2); c.21890A>G, p.Lys7297Arg (NM_001374722.1); c.20930A>G, p.Lys6977Arg (NM_001374729.1); c.14672A>G, p.Lys4891Arg (NM_001374730.1); c.21917A>G, p.Lys7306Arg (NM_001374734.1); c.14999A>G, p.Lys5000Arg (NM_001386100.1, NM_183380.4); c.14021A>G, p.Lys4674Arg (NM_015548.5); short protein forms K5000R, K4674R, K5040R, K7306R, K4891R, K5178R, K6977R, K7297R.
Identifiers: ClinVar variation 1958251 (VCV001958251.5), dbSNP rs2533509580, ClinGen allele CA364509723.
Genomic context (GRCh38, chr6:56,473,977, plus strand): 5'-GAGGAAGGATCAGCAGCTCTCCTCTTATAGGTCTTCGTTACTTTATCAACATCAGGCTGT[T>C]TTCTGGTCATTTCCTCCATGAAGGTCTGAAATGAAAGAAATGATGTCAATCAAATAAGAG-3'
Protein context (NP_001361665.1, residues 7287-7307): HQTFMEEMTR[Lys7297Arg]QPDVDKVTKT